The following is an entry in ClinVar:

ClinVar aggregate classification (germline): Likely benign (1 of 4 stars; one submission).

Conditions:
FHOD3-related disorder. Also called: FHOD3-related condition.

gnomAD v4.1: 194 of 1,605,582 alleles (0.012%); highest among the groups gnomAD compares: East Asian, 0.15%; 1 homozygote.

Submission:

PreventionGenetics, part of Exact Sciences
Classification: Likely benign for FHOD3-related condition. Last evaluated: 2026-05-19. Review status: criteria provided, single submitter. Criteria: ACMG Guidelines, 2015. Collection method: clinical testing. Allele origin: germline.
Comment: This variant is classified as likely benign based on ACMG/AMP sequence variant interpretation guidelines (Richards et al. 2015 PMID: 25741868, with internal and published modifications).

NM_001281740.3(FHOD3):c.3186C>T (p.Asn1062=)

Gene: FHOD3 (formin homology 2 domain containing 3; plus strand). Cytogenetic location: 18q12.2.
Variant type: single nucleotide variant.
Coding change: c.3186C>T on transcript NM_001281740.3 (MANE Select); coding-DNA position 3186, C replaced by T.
Protein change: p.Asn1062=; no amino-acid change (asparagine 1062 retained).
Molecular consequence: synonymous variant.
Genome position (GRCh38, 1-based): chr18:36,718,484, C>T. VCF-style: chr18-36718484-C-T. GRCh37 (hg19) VCF-style: chr18-34298447-C-T.
Other names: c.2610C>T, p.Asn870= (NM_001281739.3); c.2661C>T, p.Asn887= (NM_025135.5).
Identifiers: ClinVar variation 4980207 (VCV004980207.1).